The following is an entry in ClinVar:

ClinVar aggregate classification (germline): Uncertain significance (1 of 4 stars; one submission).

Conditions:
Desbuquois dysplasia 1 (DBQD1). Also called: MICROMELIC DWARFISM WITH VERTEBRAL AND METAPHYSEAL ABNORMALITIES AND ADVANCED CARPOTARSAL OSSIFICATION; DESBUQUOIS DYSPLASIA 1, KIM VARIANT. Identifiers: Orphanet 1425, MedGen C4012146, MONDO:0009629, OMIM 251450.

Allele frequency attached by ClinVar (database versions not stated): ExAC 0.00001; TOPMed 0.00002.
gnomAD v4.1: 18 of 1,613,946 alleles (0.0011%); highest among the groups gnomAD compares: African/African-American, 0.004%; no homozygotes.

Submission:

Labcorp Genetics (formerly Invitae), Labcorp
Classification: Uncertain significance for Desbuquois dysplasia 1. Last evaluated: 2023-02-13. Review status: criteria provided, single submitter. Criteria: Invitae Variant Classification Sherloc (09022015). Collection method: clinical testing. Allele origin: germline.
Comment: This sequence change replaces arginine, which is basic and polar, with cysteine, which is neutral and slightly polar, at codon 694 of the XYLT1 protein (p.Arg694Cys). This variant is present in population databases (rs770765433, gnomAD 0.01%). This variant has not been reported in the literature in individuals affected with XYLT1-related conditions. Advanced modeling of protein sequence and biophysical properties (such as structural, functional, and spatial information, amino acid conservation, physicochemical variation, residue mobility, and thermodynamic stability) performed at Invitae indicates that this missense variant is not expected to disrupt XYLT1 protein function. In summary, the available evidence is currently insufficient to determine the role of this variant in disease. Therefore, it has been classified as a Variant of Uncertain Significance.

NM_022166.4(XYLT1):c.2080C>T (p.Arg694Cys)

Gene: XYLT1 (xylosyltransferase 1; minus strand). Cytogenetic location: 16p12.3.
Variant type: single nucleotide variant.
Coding change: c.2080C>T on transcript NM_022166.4 (MANE Select); coding-DNA position 2080, C replaced by T.
Protein change: p.Arg694Cys; replaces arginine 694 with cysteine.
Molecular consequence: missense variant.
Genome position (GRCh38, 1-based): chr16:17,127,809, G>A on the plus strand (C>T on the coding strand, the complement: XYLT1 is on the minus strand). VCF-style: chr16-17127809-G-A. GRCh37 (hg19) VCF-style: chr16-17221666-G-A.
Other names: short protein forms R694C.
Identifiers: ClinVar variation 1960247 (VCV001960247.5), dbSNP rs770765433, ClinGen allele CA7927669.